The following is an entry in ClinVar:

ClinVar aggregate classification (germline): Likely benign (1 of 4 stars; one submission).

Submission:

CeGaT Center for Human Genetics Tuebingen
Classification: Likely benign. Last evaluated: 2026-01-01. Review status: criteria provided, single submitter. Criteria: CeGaT Center For Human Genetics Tuebingen Variant Classification Criteria Version 2. Collection method: clinical testing. Allele origin: germline. Affected: yes. Observed: 1 variant allele.
Comment: RNU4-2: BS2

NR_003137.3(RNU4-2):n.133C>T

Gene: RNU4-2 (RNA, U4 small nuclear 2; minus strand). Cytogenetic location: 12q24.23.
Variant type: single nucleotide variant.
Molecular consequence: non-coding transcript variant (on NR_003137.3).
Genome position: GRCh38 VCF-style: chr12-120291771-G-A. GRCh37 (hg19) VCF-style: chr12-120729574-G-A.
Identifiers: ClinVar variation 4823118 (VCV004823118.4).